The following is an entry in ClinVar:

NM_000153.4(GALC):c.131T>C (p.Val44Ala)

Genes: GALC (galactosylceramidase; minus strand), LOC130056217 (ATAC-STARR-seq lymphoblastoid silent region 5988; plus strand). Cytogenetic location: 14q31.3.
Variant type: single nucleotide variant.
Coding change: c.131T>C on transcript NM_000153.4 (MANE Select); coding-DNA position 131, T replaced by C.
Protein change: p.Val44Ala; replaces valine 44 with alanine.
Molecular consequence: missense variant. On other transcripts: intron variant (1).
Genome position (GRCh38, 1-based): chr14:87,993,034, A>G on the plus strand (T>C on the coding strand, the complement: GALC is on the minus strand). VCF-style: chr14-87993034-A-G. GRCh37 (hg19) VCF-style: chr14-88459378-A-G.
Other names: c.131T>C, p.Val44Ala (NM_001201401.2); c.117+349T>C (NM_001201402.2); short protein forms V44A.
Identifiers: ClinVar variation 2014771 (VCV002014771.4), dbSNP rs781769154, ClinGen allele CA390771775.
Genomic context (GRCh38, chr14:87,993,034, plus strand): 5'-CCGCCGCTGACCGCGCCGATGCCGTCGAACTCCCGGCCCAGCCCGTCGGAGTCGTCGAGC[A>G]CGTACGCGCCGCCGGGCGCCAGCAGCGCACACAGCAGCAAGGGCACCGCGGCGCGGCCCG-3'
Protein context (NP_000144.2, residues 34-54): CALLAPGGAY[Val44Ala]LDDSDGLGRE

ClinVar aggregate classification (germline): Uncertain significance (1 of 4 stars; one submission).

Conditions:
Galactosylceramide beta-galactosidase deficiency. Also called: GALACTOCEREBROSIDASE DEFICIENCY; GALC DEFICIENCY; GLOBOID CELL LEUKOENCEPHALOPATHY; Krabbe Disease; Leukodystrophy, Globoid Cell. Identifiers: Orphanet 487, MedGen C0023521, MONDO:0009499, OMIM 245200.

Submission:

Labcorp Genetics (formerly Invitae), Labcorp
Classification: Uncertain significance for Galactosylceramide beta-galactosidase deficiency. Last evaluated: 2022-07-30. Review status: criteria provided, single submitter. Criteria: Invitae Variant Classification Sherloc (09022015). Collection method: clinical testing. Allele origin: germline.
Comment: Advanced modeling of protein sequence and biophysical properties (such as structural, functional, and spatial information, amino acid conservation, physicochemical variation, residue mobility, and thermodynamic stability) performed at Invitae indicates that this missense variant is not expected to disrupt GALC protein function. This variant has not been reported in the literature in individuals affected with GALC-related conditions. This variant is not present in population databases (gnomAD no frequency). This sequence change replaces valine, which is neutral and non-polar, with alanine, which is neutral and non-polar, at codon 44 of the GALC protein (p.Val44Ala). In summary, the available evidence is currently insufficient to determine the role of this variant in disease. Therefore, it has been classified as a Variant of Uncertain Significance.